The following is an entry in ClinVar:

ClinVar aggregate classification (germline): Uncertain significance (1 of 4 stars; one submission).

Conditions:
Inborn genetic diseases. Identifiers: MedGen C0950123, MeSH D030342.

Submission:

Ambry Genetics
Classification: Uncertain significance for Inborn genetic diseases. Last evaluated: 2026-05-28. Review status: criteria provided, single submitter. Criteria: Ambry Variant Classification Scheme 2023. Collection method: clinical testing. Allele origin: germline.
Comment: The p.T128I variant (also known as c.383C>T), located in coding exon 3 of the PAX5 gene, results from a C to T substitution at nucleotide position 383. The threonine at codon 128 is replaced by isoleucine, an amino acid with similar properties. This amino acid position is conserved. In addition, the in silico prediction for this alteration is inconclusive. Based on the available evidence, the clinical significance of this variant remains unclear.

NM_016734.3(PAX5):c.383C>T (p.Thr128Ile)

Gene: PAX5 (paired box 5; minus strand). Cytogenetic location: 9p13.2.
Variant type: single nucleotide variant.
Coding change: c.383C>T on transcript NM_016734.3 (MANE Select); coding-DNA position 383, C replaced by T.
Protein change: p.Thr128Ile; replaces threonine 128 with isoleucine.
Molecular consequence: missense variant. On other transcripts: non-coding transcript variant (2), intron variant (1).
Genome position (GRCh38, 1-based): chr9:37,015,024, G>A on the plus strand (C>T on the coding strand, the complement: PAX5 is on the minus strand). VCF-style: chr9-37015024-G-A. GRCh37 (hg19) VCF-style: chr9-37015021-G-A.
Other names: c.383C>T, p.Thr128Ile (NM_001280547.2, NM_001280548.2, NM_001280549.2 and 4 more transcripts); c.59C>T, p.Thr20Ile (NM_001280551.2, NM_001280556.2); c.212+5612C>T (NM_001280555.2); short protein forms T128I, T20I.
Identifiers: ClinVar variation 4861619 (VCV004861619.1).